The following is an entry in ClinVar:

ClinVar aggregate classification (germline): Uncertain significance (0 of 4 stars; one submission).

Submission:

ISCA site 1
Classification: Uncertain significance. Last evaluated: 2018-02-12. Review status: no assertion criteria provided. Collection method: clinical testing. Allele origin: maternal. Affected: yes. Observed: 1 variant allele.
Comment: Copy number variation identified through the course of routine clinical cytogenomic testing in postnatal populations, with clinical assertions as classified by the original submitter. For data from the original published study, Kaminsky, et al. 2011 (PubMed 21844811), please see nstd101.

GRCh38/hg38 Xq28(chrX:148959372-149023968)x1

Gene: AFF2 (ALF transcription elongation factor 2; plus strand). Cytogenetic location: Xq28.
Variant type: copy number loss.
Change: copy number 1 of chrX:148,959,372-149,023,968 (64.6 kb, GRCh38 coordinates, 1-based), cytogenetic band Xq28.
Identifiers: ClinVar variation 153165 (VCV000153165.3).